The following is an entry in ClinVar:

NM_030787.4(CFHR5):c.71A>C (p.Asp24Ala)

Gene: CFHR5 (complement factor H related 5; plus strand). Cytogenetic location: 1q31.3.
Variant type: single nucleotide variant.
Coding change: c.71A>C on transcript NM_030787.4 (MANE Select); coding-DNA position 71, A replaced by C.
Protein change: p.Asp24Ala; replaces aspartic acid 24 with alanine.
Molecular consequence: missense variant.
Genome position (GRCh38, 1-based): chr1:196,982,897, A>C. VCF-style: chr1-196982897-A-C. GRCh37 (hg19) VCF-style: chr1-196952027-A-C.
Other names: p.Asp24Ala; short protein forms D24A.
Identifiers: ClinVar variation 2597054 (VCV002597054.5), dbSNP rs536757077, ClinGen allele CA1307625.
Genomic context (GRCh38, chr1:196,982,897, plus strand): 5'-CGATGTAGCTCTTTATTTAATTCTTCAGTTTTGTGTTATTTTTCCCAGGAACACTTTGTG[A>C]TTTTCCAAAAATACACCATGGATTTCTGTATGATGAAGAAGATTATAACCCTTTTTCCCA-3'
Protein context (NP_110414.1, residues 14-34): STVGGEGTLC[Asp24Ala]FPKIHHGFLY

ClinVar aggregate classification (germline): Uncertain significance. Review status: criteria provided, multiple submitters, no conflicts (2 of 4 stars). 3 submissions from 3 submitters: Uncertain significance (3). Last evaluated 2026-08-10.

Conditions:
Inborn genetic diseases. Identifiers: MedGen C0950123, MeSH D030342.

Allele frequency attached by ClinVar (database versions not stated): gnomAD exomes 0.00001; ExAC 0.00002; TOPMed 0.00016; gnomAD 0.00018; 1000 Genomes Project 0.00020; 1000 Genomes Project 30x 0.00031.

Submissions (3):

GeneDx
Classification: Uncertain significance. Last evaluated: 2026-08-10. Review status: criteria provided, single submitter. Criteria: GeneDx Variant Classification Process June 2021. Collection method: clinical testing. Allele origin: germline.
Comment: In silico analysis supports that this missense variant has a deleterious effect on protein structure/function; Has not been previously published as pathogenic or benign to our knowledge

Mayo Clinic Laboratories, Mayo Clinic
Classification: Uncertain significance. Last evaluated: 2025-07-21. Review status: criteria provided, single submitter. Criteria: ACMG Guidelines, 2015. Collection method: clinical testing. Allele origin: germline. Observed: 2 variant alleles.
Comment: BP4_moderate, PM2_supporting

Ambry Genetics
Classification: Uncertain significance for Inborn genetic diseases. Last evaluated: 2023-06-23. Review status: criteria provided, single submitter. Criteria: Ambry Variant Classification Scheme 2023. Collection method: clinical testing. Allele origin: germline.